The following continues an entry in ClinVar:

NM_000059.4(BRCA2):c.100G>T (p.Glu34Ter)

Gene: BRCA2. ClinVar aggregate classification (germline): Pathogenic. Pathogenic (1).

Submissions 11 to 18 of 18:

Quest Diagnostics Nichols Institute San Juan Capistrano
Classification: Pathogenic. Last evaluated: 2017-12-15. Review status: criteria provided, single submitter. Criteria: Quest Diagnostics criteria. Collection method: clinical testing. Allele origin: germline. Not counted in ClinVar's aggregate classification.

Consortium of Investigators of Modifiers of BRCA1/2 (CIMBA), c/o University of Cambridge
Classification: Pathogenic for Breast-ovarian cancer, familial, susceptibility to, 2. Last evaluated: 2015-10-02. Review status: criteria provided, single submitter. Criteria: CIMBA Mutation Classification guidelines May 2016. Collection method: clinical testing. Allele origin: germline. Not counted in ClinVar's aggregate classification.

BRCAlab, Lund University
Classification: Pathogenic for Breast-ovarian cancer, familial, susceptibility to, 2. Last evaluated: 2020-03-02. Review status: no assertion criteria provided. Collection method: clinical testing. Allele origin: germline. Affected: yes. Not counted in ClinVar's aggregate classification.

Research Molecular Genetics Laboratory, Women's College Hospital, University of Toronto
Classification: Pathogenic for Hereditary breast ovarian cancer syndrome. Last evaluated: 2014-01-31. Review status: no assertion criteria provided. Collection method: research. Allele origin: germline. Affected: yes. Study: The Canadian Open Genetics Repository (COGR). Not counted in ClinVar's aggregate classification.

Breast Cancer Information Core (BIC) (BRCA2)
Classification: Pathogenic for Breast-ovarian cancer, familial 2. Last evaluated: 2003-12-23. Review status: no assertion criteria provided. Collection method: clinical testing. Allele origin: germline. Affected: yes. Observed: 1 variant allele. Not counted in ClinVar's aggregate classification.

Clinical Genetics Laboratory, Department of Pathology, Netherlands Cancer Institute
Classification: Pathogenic. Review status: no assertion criteria provided. Collection method: clinical testing. Allele origin: germline. Affected: yes. Study: VKGL Data-share Consensus. Not counted in ClinVar's aggregate classification.

Diagnostic Laboratory, Department of Genetics, University Medical Center Groningen
Classification: Pathogenic for Breast-ovarian cancer, familial, susceptibility to, 2. Review status: no assertion criteria provided. Collection method: clinical testing. Allele origin: germline. Affected: yes. Study: VKGL Data-share Consensus. Not counted in ClinVar's aggregate classification.

Joint Genome Diagnostic Labs from Nijmegen and Maastricht, Radboudumc and MUMC+
Classification: Pathogenic. Review status: no assertion criteria provided. Collection method: clinical testing. Allele origin: germline. Affected: yes. Study: VKGL Data-share Consensus. Not counted in ClinVar's aggregate classification.

Literature cited by the submitters: PubMed 20104584 (cited by Labcorp Genetics (formerly Invitae), Labcorp); PubMed 16683254 (cited by 5 submitters); PubMed 29433453 (cited by 3 submitters); PubMed 29446198 (cited by 3 submitters); PubMed 29483665 (cited by 3 submitters); PubMed 33471991 (cited by Color Diagnostics, LLC DBA Color Health); PubMed 21523855 (cited by Ambry Genetics and Women's Health and Genetics/Laboratory Corporation of America, LabCorp); PubMed 29707112 (cited by Ambry Genetics).